The following is an entry in ClinVar:

ClinVar aggregate classification (germline): Uncertain significance (1 of 4 stars; one submission).

Allele frequency attached by ClinVar (database versions not stated): gnomAD exomes below 0.00001.

Submission:

Labcorp Genetics (formerly Invitae), Labcorp
Classification: Uncertain significance. Last evaluated: 2022-04-01. Review status: criteria provided, single submitter. Criteria: Invitae Variant Classification Sherloc (09022015). Collection method: clinical testing. Allele origin: germline.
Comment: This variant is present in population databases (no rsID available, gnomAD 0.006%). In summary, the available evidence is currently insufficient to determine the role of this variant in disease. Therefore, it has been classified as a Variant of Uncertain Significance. Algorithms developed to predict the effect of missense changes on protein structure and function output the following: SIFT: "Deleterious"; PolyPhen-2: "Benign"; Align-GVGD: "Class C0". The glutamic acid amino acid residue is found in multiple mammalian species, which suggests that this missense change does not adversely affect protein function. This variant has not been reported in the literature in individuals affected with SHPK-related conditions. This sequence change replaces glycine, which is neutral and non-polar, with glutamic acid, which is acidic and polar, at codon 57 of the SHPK protein (p.Gly57Glu).

NM_013276.4(SHPK):c.170G>A (p.Gly57Glu)

Gene: SHPK (sedoheptulokinase; minus strand). Cytogenetic location: 17p13.2.
Variant type: single nucleotide variant.
Coding change: c.170G>A on transcript NM_013276.4 (MANE Select); coding-DNA position 170, G replaced by A.
Protein change: p.Gly57Glu; replaces glycine 57 with glutamic acid.
Molecular consequence: missense variant.
Genome position (GRCh38, 1-based): chr17:3,630,345, C>T on the plus strand (G>A on the coding strand, the complement: SHPK is on the minus strand). VCF-style: chr17-3630345-C-T. GRCh37 (hg19) VCF-style: chr17-3533639-C-T.
Other names: short protein forms G57E.
Identifiers: ClinVar variation 2092964 (VCV002092964.4), dbSNP rs1246818822, ClinGen allele CA397703095.
Genomic context (GRCh38, chr17:3,630,345, plus strand): 5'-GGAAGGGCAGCAAGGCACTCGTGTAGGGCTTGGAGGATTCTACTCACATCCTGCTCCCGC[C>T]CCTGGAAGCAAAAGAGAACACATGGGCAGGGGCAGACACACAGGCAGGGGGAGGGGCGCA-3'
Protein context (NP_037408.2, residues 47-67): AVESAVAGPQ[Gly57Glu]REQDVSRILQ